The following is an entry in ClinVar:

ClinVar aggregate classification (germline): Uncertain significance (1 of 4 stars; one submission).

Submission:

Labcorp Genetics (formerly Invitae), Labcorp
Classification: Uncertain significance. Last evaluated: 2024-12-09. Review status: criteria provided, single submitter. Criteria: Invitae Variant Classification Sherloc (09022015). Collection method: clinical testing. Allele origin: germline.
Comment: This sequence change replaces alanine, which is neutral and non-polar, with serine, which is neutral and polar, at codon 748 of the TFRC protein (p.Ala748Ser). This variant is not present in population databases (gnomAD no frequency). This variant has not been reported in the literature in individuals affected with TFRC-related conditions. Invitae Evidence Modeling of protein sequence and biophysical properties (such as structural, functional, and spatial information, amino acid conservation, physicochemical variation, residue mobility, and thermodynamic stability) indicates that this missense variant is not expected to disrupt TFRC protein function with a negative predictive value of 80%. In summary, the available evidence is currently insufficient to determine the role of this variant in disease. Therefore, it has been classified as a Variant of Uncertain Significance.

NM_001128148.3(TFRC):c.2242G>T (p.Ala748Ser)

Gene: TFRC (transferrin receptor; minus strand). Cytogenetic location: 3q29.
Variant type: single nucleotide variant.
Coding change: c.2242G>T on transcript NM_001128148.3 (MANE Select); coding-DNA position 2242, G replaced by T.
Protein change: p.Ala748Ser; replaces alanine 748 with serine.
Molecular consequence: missense variant.
Genome position (GRCh38, 1-based): chr3:196,051,983, C>A on the plus strand (G>T on the coding strand, the complement: TFRC is on the minus strand). VCF-style: chr3-196051983-C-A. GRCh37 (hg19) VCF-style: chr3-195778854-C-A.
Other names: c.1999G>T, p.Ala667Ser (NM_001313965.2); c.1396G>T, p.Ala466Ser (NM_001313966.2); c.2242G>T, p.Ala748Ser (NM_003234.4); short protein forms A466S, A667S, A748S.
Identifiers: ClinVar variation 3667061 (VCV003667061.2).